The following is an entry in ClinVar:

ClinVar aggregate classification (germline): Uncertain significance. Review status: criteria provided, multiple submitters, no conflicts (2 of 4 stars). 2 submissions from 2 submitters: Uncertain significance (2). Last evaluated 2023-09-13.

Conditions:
Primary ciliary dyskinesia 19. Also called: CILIARY DYSKINESIA, PRIMARY, 19, WITH OR WITHOUT SITUS INVERSUS. Identifiers: Orphanet 244, MedGen C3543826, MONDO:0013979, OMIM 614935.
Primary ciliary dyskinesia. Also called: Ciliary dyskinesia. Identifiers: Orphanet 244, MedGen C0008780, MONDO:0016575, HP:0012265.

Allele frequency attached by ClinVar (database versions not stated): gnomAD exomes 0.00003; ExAC 0.00004; ESP Exome Variant Server 0.00008; TOPMed 0.00008; gnomAD 0.00009; 1000 Genomes Project 30x 0.00031; 1000 Genomes Project 0.00040.
gnomAD v4.1: 30 of 1,609,440 alleles (0.0019%); highest among the groups gnomAD compares: African/African-American, 0.023%; no homozygotes.

Submissions (2):

Labcorp Genetics (formerly Invitae), Labcorp
Classification: Uncertain significance for Primary ciliary dyskinesia 19. Last evaluated: 2023-09-13. Review status: criteria provided, single submitter. Criteria: Invitae Variant Classification Sherloc (09022015). Collection method: clinical testing. Allele origin: germline.
Comment: This sequence change replaces aspartic acid, which is acidic and polar, with asparagine, which is neutral and polar, at codon 333 of the LRRC6 protein (p.Asp333Asn). This variant is present in population databases (rs375060512, gnomAD 0.03%). This variant has not been reported in the literature in individuals affected with LRRC6-related conditions. ClinVar contains an entry for this variant (Variation ID: 644077). Advanced modeling of protein sequence and biophysical properties (such as structural, functional, and spatial information, amino acid conservation, physicochemical variation, residue mobility, and thermodynamic stability) performed at Invitae indicates that this missense variant is not expected to disrupt LRRC6 protein function. In summary, the available evidence is currently insufficient to determine the role of this variant in disease. Therefore, it has been classified as a Variant of Uncertain Significance.

Ambry Genetics
Classification: Uncertain significance for Primary ciliary dyskinesia. Last evaluated: 2018-06-19. Review status: criteria provided, single submitter. Criteria: Ambry Variant Classification Scheme 2023. Collection method: clinical testing. Allele origin: germline.
Comment: The p.D333N variant (also known as c.997G>A), located in coding exon 9 of the LRRC6 gene, results from a G to A substitution at nucleotide position 997. The aspartic acid at codon 333 is replaced by asparagine, an amino acid with some highly similar properties. This amino acid position is not well conserved in available vertebrate species, and asparagine is the reference amino acid in other vertebrate species. In addition, this alteration is predicted to be tolerated by in silico analysis. Since supporting evidence is limited at this time, the clinical significance of this alteration remains unclear.

NM_012472.6(DNAAF11):c.997G>A (p.Asp333Asn)

Gene: DNAAF11 (dynein axonemal assembly factor 11; minus strand). Cytogenetic location: 8q24.22.
Variant type: single nucleotide variant.
Coding change: c.997G>A on transcript NM_012472.6 (MANE Select); coding-DNA position 997, G replaced by A.
Protein change: p.Asp333Asn; replaces aspartic acid 333 with asparagine.
Molecular consequence: missense variant. On other transcripts: non-coding transcript variant (10).
Genome position (GRCh38, 1-based): chr8:132,611,341, C>T on the plus strand (G>A on the coding strand, the complement: DNAAF11 is on the minus strand). VCF-style: chr8-132611341-C-T. GRCh37 (hg19) VCF-style: chr8-133623587-C-T.
Other names: c.937G>A, p.Asp313Asn (NM_001321961.2); c.751G>A, p.Asp251Asn (NM_001321962.2); c.637G>A, p.Asp213Asn (NM_001321963.2, NM_001321964.2, NM_001321965.2); c.577G>A, p.Asp193Asn (NM_001321966.2); short protein forms D313N, D193N, D213N, D251N, D333N.
Identifiers: ClinVar variation 644077 (VCV000644077.8), dbSNP rs375060512, ClinGen allele CA4881209.